The following is an entry in ClinVar:

NM_205834.4(LSR):c.839A>C (p.Tyr280Ser)

Gene: LSR (lipolysis stimulated lipoprotein receptor; plus strand). Cytogenetic location: 19q13.12.
Variant type: single nucleotide variant.
Coding change: c.839A>C on transcript NM_205834.4 (MANE Select); coding-DNA position 839, A replaced by C.
Protein change: p.Tyr280Ser; replaces tyrosine 280 with serine.
Molecular consequence: missense variant.
Genome position (GRCh38, 1-based): chr19:35,266,419, A>C. VCF-style: chr19-35266419-A-C. GRCh37 (hg19) VCF-style: chr19-35757322-A-C.
Other names: c.782A>C, p.Tyr261Ser (NM_001260489.2, NM_015925.7); c.515A>C, p.Tyr172Ser (NM_001260490.2); c.635A>C, p.Tyr212Ser (NM_001385215.1, NM_205835.4); short protein forms Y261S, Y280S, Y172S, Y212S.
Identifiers: ClinVar variation 4751480 (VCV004751480.1).

ClinVar aggregate classification (germline): Uncertain significance (1 of 4 stars; one submission).

gnomAD v4.1: 290 of 1,611,788 alleles (0.018%); highest among the groups gnomAD compares: Admixed American, 0.023%; no homozygotes.

Submission:

Labcorp Genetics (formerly Invitae), Labcorp
Classification: Uncertain significance. Last evaluated: 2025-04-09. Review status: criteria provided, single submitter. Criteria: Invitae Variant Classification Sherloc (09022015). Collection method: clinical testing. Allele origin: germline.
Comment: This sequence change replaces tyrosine, which is neutral and polar, with serine, which is neutral and polar, at codon 328 of the LSR protein (p.Tyr328Ser). This variant is present in population databases (rs201814864, gnomAD 0.02%). This variant has not been reported in the literature in individuals affected with LSR-related conditions. An algorithm developed to predict the effect of missense changes on protein structure and function (PolyPhen-2) suggests that this variant is likely to be disruptive. In summary, the available evidence is currently insufficient to determine the role of this variant in disease. Therefore, it has been classified as a Variant of Uncertain Significance.